The following is an entry in ClinVar:

NM_001281956.2(CSMD2):c.4401G>A (p.Lys1467=)

Gene: CSMD2 (CUB and Sushi multiple domains 2; minus strand). Cytogenetic location: 1p35.1.
Variant type: single nucleotide variant.
Coding change: c.4401G>A on transcript NM_001281956.2 (MANE Select); coding-DNA position 4401, G replaced by A.
Protein change: p.Lys1467=; no amino-acid change (lysine 1467 retained).
Molecular consequence: synonymous variant.
Genome position (GRCh38, 1-based): chr1:33,657,992, C>T on the plus strand (G>A on the coding strand, the complement: CSMD2 is on the minus strand). VCF-style: chr1-33657992-C-T. GRCh37 (hg19) VCF-style: chr1-34123592-C-T.
Other names: c.4281G>A, p.Lys1427= (NM_052896.5).
Identifiers: ClinVar variation 2638630 (VCV002638630.24), dbSNP rs769502436, ClinGen allele CA752234.

ClinVar aggregate classification (germline): Likely benign (1 of 4 stars; one submission).

Allele frequency attached by ClinVar (database versions not stated): gnomAD exomes below 0.00001; ExAC 0.00003.
gnomAD v4.1: 2 of 1,614,164 alleles (0.00012%); highest among the groups gnomAD compares: Non-Finnish European, 0.00017%; no homozygotes.

Submission:

CeGaT Center for Human Genetics Tuebingen
Classification: Likely benign. Last evaluated: 2023-02-01. Review status: criteria provided, single submitter. Criteria: CeGaT Center For Human Genetics Tuebingen Variant Classification Criteria Version 2. Collection method: clinical testing. Allele origin: germline. Affected: yes. Observed: 1 variant allele.
Comment: CSMD2: BP4, BP7